The following is an entry in ClinVar:

ClinVar aggregate classification (germline): Uncertain significance. Review status: criteria provided, multiple submitters, no conflicts (2 of 4 stars). 2 submissions from 2 submitters: Uncertain significance (2). Last evaluated 2024-10-07.

Conditions:
CPOX-related disorder. Also called: CPOX-related condition; CPOX-related disorders.

Submissions (2):

Labcorp Genetics (formerly Invitae), Labcorp
Classification: Uncertain significance. Last evaluated: 2024-10-07. Review status: criteria provided, single submitter. Criteria: Invitae Variant Classification Sherloc (09022015). Collection method: clinical testing. Allele origin: germline.
Comment: This sequence change replaces alanine, which is neutral and non-polar, with valine, which is neutral and non-polar, at codon 89 of the CPOX protein (p.Ala89Val). This variant is not present in population databases (gnomAD no frequency). This variant has not been reported in the literature in individuals affected with CPOX-related conditions. ClinVar contains an entry for this variant (Variation ID: 1467271). An algorithm developed to predict the effect of missense changes on protein structure and function (PolyPhen-2) suggests that this variant is likely to be disruptive. In summary, the available evidence is currently insufficient to determine the role of this variant in disease. Therefore, it has been classified as a Variant of Uncertain Significance.

PreventionGenetics, part of Exact Sciences
Classification: Uncertain significance for CPOX-related condition. Last evaluated: 2022-08-29. Review status: criteria provided, single submitter. Criteria: ACMG Guidelines, 2015. Collection method: clinical testing. Allele origin: germline.
Comment: The CPOX c.266C>T variant is predicted to result in the amino acid substitution p.Ala89Val. To our knowledge, this variant has not been reported in the literature or in a large population database, indicating this variant is rare. At this time, the clinical significance of this variant is uncertain due to the absence of conclusive functional and genetic evidence.

NM_000097.7(CPOX):c.266C>T (p.Ala89Val)

Genes: CPOX (coproporphyrinogen oxidase; minus strand), LOC129937121 (ATAC-STARR-seq lymphoblastoid silent region 14560; plus strand). Cytogenetic location: 3q11.2.
Variant type: single nucleotide variant.
Coding change: c.266C>T on transcript NM_000097.7 (MANE Select); coding-DNA position 266, C replaced by T.
Protein change: p.Ala89Val; replaces alanine 89 with valine.
Molecular consequence: missense variant.
Genome position (GRCh38, 1-based): chr3:98,593,239, G>A on the plus strand (C>T on the coding strand, the complement: CPOX is on the minus strand). VCF-style: chr3-98593239-G-A. GRCh37 (hg19) VCF-style: chr3-98312083-G-A.
Other names: c.266C>T (NM_000097.5); short protein forms A89V.
Identifiers: ClinVar variation 1467271 (VCV001467271.7), dbSNP rs2107136388, ClinGen allele CA353646821.
Genomic context (GRCh38, chr3:98,593,239, plus strand): 5'-CGCGTCCCCGAGGTCTTAGGCAACATCTCCGCCCGCTGCACATGCCCGAAGGCGGCGGTG[G>A]CCAGCCCCACCAACCCCGCCAGCGCCGCGGCCAGCCCTGTCCCCACCCAGGGGCCGCCTC-3'
Protein context (NP_000088.3, residues 79-99): AAALAGLVGL[Ala89Val]TAAFGHVQRA